The following is an entry in ClinVar:

NM_014908.4(DOLK):c.73G>T (p.Ala25Ser)

Gene: DOLK (dolichol kinase; minus strand). Cytogenetic location: 9q34.11.
Variant type: single nucleotide variant.
Coding change: c.73G>T on transcript NM_014908.4 (MANE Select); coding-DNA position 73, G replaced by T.
Protein change: p.Ala25Ser; replaces alanine 25 with serine.
Molecular consequence: missense variant.
Genome position (GRCh38, 1-based): chr9:128,947,231, C>A on the plus strand (G>T on the coding strand, the complement: DOLK is on the minus strand). VCF-style: chr9-128947231-C-A. GRCh37 (hg19) VCF-style: chr9-131709510-C-A.
Other names: short protein forms A25S.
Identifiers: ClinVar variation 4841812 (VCV004841812.1).

ClinVar aggregate classification (germline): Uncertain significance (1 of 4 stars; one submission).

Conditions:
Cardiovascular phenotype. Identifiers: MedGen CN230736.

Submission:

Ambry Genetics
Classification: Uncertain significance for Cardiovascular phenotype. Last evaluated: 2025-12-24. Review status: criteria provided, single submitter. Criteria: Ambry Variant Classification Scheme 2023. Collection method: clinical testing. Allele origin: germline.
Comment: The p.A25S variant (also known as c.73G>T), located in coding exon 1 of the DOLK gene, results from a G to T substitution at nucleotide position 73. The alanine at codon 25 is replaced by serine, an amino acid with similar properties. This amino acid position is conserved. In addition, this alteration is predicted to be tolerated by in silico analysis. Based on the available evidence, the clinical significance of this variant remains unclear.